The following is an entry in ClinVar:

NM_015311.3(OBSL1):c.2641G>A (p.Ala881Thr)

Gene: OBSL1 (obscurin like cytoskeletal adaptor 1; minus strand). Cytogenetic location: 2q35.
Variant type: single nucleotide variant.
Coding change: c.2641G>A on transcript NM_015311.3 (MANE Select); coding-DNA position 2641, G replaced by A.
Protein change: p.Ala881Thr; replaces alanine 881 with threonine.
Molecular consequence: missense variant.
Genome position (GRCh38, 1-based): chr2:219,563,394, C>T on the plus strand (G>A on the coding strand, the complement: OBSL1 is on the minus strand). VCF-style: chr2-219563394-C-T. GRCh37 (hg19) VCF-style: chr2-220428116-C-T.
Other names: c.2641G>A, p.Ala881Thr (NM_001173408.2, NM_001173431.2); c.2641G>A (NM_015311.2); short protein forms A881T.
Identifiers: ClinVar variation 1476421 (VCV001476421.7), dbSNP rs747110489, ClinGen allele CA2131155.
Genomic context (GRCh38, chr2:219,563,394, plus strand): 5'-GAGGCCCACCTGGCCCCCCACCTGTGATGGTGACAGTGAAGTAGGCACACTCATCTCCAG[C>T]GACGCACTGAAACTCGCCCCCGTCTGAGGGCTGGGTGGCGGGCAGCACCAGGCGGCGATG-3'
Protein context (NP_056126.1, residues 871-891): PSDGGEFQCV[Ala881Thr]GDECAYFTVT

ClinVar aggregate classification (germline): Uncertain significance. Review status: criteria provided, multiple submitters, no conflicts (2 of 4 stars). 2 submissions from 2 submitters: Uncertain significance (2). Last evaluated 2022-07-26.

Conditions:
Inborn genetic diseases. Identifiers: MedGen C0950123, MeSH D030342.

Allele frequency attached by ClinVar (database versions not stated): gnomAD exomes 0.00001; ExAC 0.00002; gnomAD 0.00002 and 0.00003; TOPMed 0.00005.
gnomAD v4.1: 17 of 1,602,858 alleles (0.0011%); highest among the groups gnomAD compares: Admixed American, 0.0051%; no homozygotes.

Submissions (2):

Labcorp Genetics (formerly Invitae), Labcorp
Classification: Uncertain significance. Last evaluated: 2022-07-26. Review status: criteria provided, single submitter. Criteria: Invitae Variant Classification Sherloc (09022015). Collection method: clinical testing. Allele origin: germline.
Comment: In summary, the available evidence is currently insufficient to determine the role of this variant in disease. Therefore, it has been classified as a Variant of Uncertain Significance. Algorithms developed to predict the effect of missense changes on protein structure and function output the following: SIFT: "Deleterious"; PolyPhen-2: "Benign"; Align-GVGD: "Class C0". The threonine amino acid residue is found in multiple mammalian species, which suggests that this missense change does not adversely affect protein function. ClinVar contains an entry for this variant (Variation ID: 1476421). This variant has not been reported in the literature in individuals affected with OBSL1-related conditions. The frequency data for this variant in the population databases is considered unreliable, as metrics indicate poor data quality at this position in the gnomAD database. This sequence change replaces alanine, which is neutral and non-polar, with threonine, which is neutral and polar, at codon 881 of the OBSL1 protein (p.Ala881Thr).

Ambry Genetics
Classification: Uncertain significance for Inborn genetic diseases. Last evaluated: 2021-07-15. Review status: criteria provided, single submitter. Criteria: Ambry Variant Classification Scheme 2023. Collection method: clinical testing. Allele origin: germline.